The following is an entry in ClinVar:

NM_003482.4(KMT2D):c.4964-4G>T

Gene: KMT2D (lysine methyltransferase 2D; minus strand). Cytogenetic location: 12q13.12.
Variant type: single nucleotide variant.
Coding change: c.4964-4G>T on transcript NM_003482.4 (MANE Select); 4 bases into the intron before coding-DNA position 4964, G replaced by T.
Molecular consequence: intron variant.
Genome position (GRCh38, 1-based): chr12:49,044,526, C>A on the plus strand (G>T on the coding strand, the complement: KMT2D is on the minus strand). VCF-style: chr12-49044526-C-A. GRCh37 (hg19) VCF-style: chr12-49438309-C-A.
Identifiers: ClinVar variation 3356543 (VCV003356543.1).
Genomic context (GRCh38, chr12:49,044,526, plus strand): 5'-CATCAGGGCTGACGGGGCCCTCCAGTTTAATTTCGCACTCCATGTGCTCCACACCACCTG[C>A]GTATGGTGACAGAAGAGATGGAGGCAAATCAGAACTATAGGCCCTTTTAACCTTGTCATC-3'

ClinVar aggregate classification (germline): Likely benign (0 of 4 stars; one submission).

Conditions:
KMT2D-related disorder. Also called: KMT2D-Related Disorders.

Submission:

PreventionGenetics, part of Exact Sciences
Classification: Likely benign for KMT2D-related condition. Last evaluated: 2024-08-06. Review status: no assertion criteria provided. Collection method: clinical testing. Allele origin: germline.
Comment: This variant is classified as likely benign based on ACMG/AMP sequence variant interpretation guidelines (Richards et al. 2015 PMID: 25741868, with internal and published modifications).